The following is an entry in ClinVar:

ClinVar aggregate classification (germline): Likely benign. Review status: criteria provided, multiple submitters, no conflicts (2 of 4 stars). 2 submissions from 2 submitters: Likely benign (2). Last evaluated 2024-10-09.

Allele frequency attached by ClinVar (database versions not stated): gnomAD 0.00019; TOPMed 0.00028; ExAC 0.00029; gnomAD exomes 0.00042.
gnomAD v4.1: 628 of 1,611,990 alleles (0.039%); highest among the groups gnomAD compares: South Asian, 0.051%; no homozygotes.

Submissions (2):

Blueprint Genetics
Classification: Likely benign. Last evaluated: 2024-10-09. Review status: criteria provided, single submitter. Criteria: ACMG Guidelines, 2015. Collection method: clinical testing. Allele origin: germline.

CeGaT Center for Human Genetics Tuebingen
Classification: Likely benign. Last evaluated: 2023-11-01. Review status: criteria provided, single submitter. Criteria: CeGaT Center For Human Genetics Tuebingen Variant Classification Criteria Version 2. Collection method: clinical testing. Allele origin: germline. Affected: yes. Observed: 3 variant alleles.
Comment: ABCA2: BP4, BP7

NM_001606.5(ABCA2):c.3453G>A (p.Thr1151=)

Gene: ABCA2 (ATP binding cassette subfamily A member 2; minus strand). Cytogenetic location: 9q34.3.
Variant type: single nucleotide variant.
Coding change: c.3453G>A on transcript NM_001606.5 (MANE Select); coding-DNA position 3453, G replaced by A.
Protein change: p.Thr1151=; no amino-acid change (threonine 1151 retained).
Molecular consequence: synonymous variant.
Genome position (GRCh38, 1-based): chr9:137,015,736, C>T on the plus strand (G>A on the coding strand, the complement: ABCA2 is on the minus strand). VCF-style: chr9-137015736-C-T. GRCh37 (hg19) VCF-style: chr9-139910188-C-T.
Other names: c.3450G>A, p.Thr1150= (NM_001411042.1); c.3543G>A, p.Thr1181= (NM_212533.3).
Identifiers: ClinVar variation 2659780 (VCV002659780.25), dbSNP rs771322473, ClinGen allele CA5354765.